The following is an entry in ClinVar:

NM_001034853.2(RPGR):c.1534G>T (p.Glu512Ter)

Gene: RPGR (retinitis pigmentosa GTPase regulator; minus strand). Cytogenetic location: Xp11.4.
Variant type: single nucleotide variant.
Coding change: c.1534G>T on transcript NM_001034853.2 (MANE Select); coding-DNA position 1534, G replaced by T.
Protein change: p.Glu512Ter; replaces glutamic acid 512 with a stop codon.
Molecular consequence: nonsense. On other transcripts: non-coding transcript variant (6).
Genome position (GRCh38, 1-based): chrX:38,290,997, C>A on the plus strand (G>T on the coding strand, the complement: RPGR is on the minus strand). VCF-style: chrX-38290997-C-A. GRCh37 (hg19) VCF-style: chrX-38150250-C-A.
Other names: c.1534G>T, p.Glu512Ter (NM_000328.3, NM_001367247.1); c.1531G>T, p.Glu511Ter (NM_001367245.1, NM_001367249.1, NM_001367250.1); c.1348G>T, p.Glu450Ter (NM_001367246.1, NM_001367251.1); c.1564G>T, p.Glu522Ter (NM_001367248.1); short protein forms E450*, E511*, E512*, E522*.
Identifiers: ClinVar variation 1802342 (VCV001802342.8), dbSNP rs2519806288, ClinGen allele CA412737643.
Genomic context (GRCh38, chrX:38,290,997, plus strand): 5'-AAAATAAATCTTCATATTATACCTTTTGTTTCTGAACTGGTGATAATTTTAATGACTTTT[C>A]ATTGGAATTCAGGCTCATGATGTGTGTCTGAAATAAATAAAAAATATATATTATAAAAAG-3'

ClinVar aggregate classification (germline): Pathogenic/Likely pathogenic. Review status: criteria provided, multiple submitters, no conflicts (2 of 4 stars). 3 submissions from 3 submitters: Pathogenic (2); Likely pathogenic (1). Last evaluated 2025-09-10.

Conditions:
Primary ciliary dyskinesia. Also called: Ciliary dyskinesia. Identifiers: Orphanet 244, MedGen C0008780, MONDO:0016575, HP:0012265.

Allele frequency attached by ClinVar (database versions not stated): gnomAD exomes below 0.00001.
gnomAD v4.1: 1 of 1,067,679 alleles (0.000094%); highest among the groups gnomAD compares: Non-Finnish European, 0.00013%; no homozygotes.

Submissions (3):

Labcorp Genetics (formerly Invitae), Labcorp
Classification: Pathogenic for Primary ciliary dyskinesia. Last evaluated: 2025-09-10. Review status: criteria provided, single submitter. Criteria: Invitae Variant Classification Sherloc (09022015). Collection method: clinical testing. Allele origin: germline.
Comment: This sequence change creates a premature translational stop signal (p.Glu512*) in the RPGR gene. It is expected to result in an absent or disrupted protein product. Loss-of-function variants in RPGR are known to be pathogenic (PMID: 16055928, 16969763). This variant is not present in population databases (gnomAD no frequency). This variant has not been reported in the literature in individuals affected with RPGR-related conditions. ClinVar contains an entry for this variant (Variation ID: 1802342). For these reasons, this variant has been classified as Pathogenic.

GeneDx
Classification: Pathogenic. Last evaluated: 2025-05-21. Review status: criteria provided, single submitter. Criteria: GeneDx Variant Classification Process June 2021. Collection method: clinical testing. Allele origin: germline. Affected: yes.
Comment: Reported in an individual with vision loss; however, specific clinical information and zygosity was not provided (PMID: 38586605); Nonsense variant predicted to result in protein truncation or nonsense mediated decay in a gene for which loss of function is a known mechanism of disease; Not observed at significant frequency in large population cohorts (gnomAD); This variant is associated with the following publications: (PMID: 38586605)

PreventionGenetics, part of Exact Sciences
Classification: Likely pathogenic. Last evaluated: 2017-02-20. Review status: criteria provided, single submitter. Criteria: ACMG Guidelines, 2015. Collection method: clinical testing. Allele origin: germline.

Literature cited by the submitters: PubMed 16055928 (cited by Labcorp Genetics (formerly Invitae), Labcorp); PubMed 16969763 (cited by Labcorp Genetics (formerly Invitae), Labcorp).